The following is an entry in ClinVar:

NM_000777.5(CYP3A5):c.219-3C>A

Genes: CYP3A5 (cytochrome P450 family 3 subfamily A member 5; minus strand), ZSCAN25 (zinc finger and SCAN domain containing 25; plus strand). Cytogenetic location: 7q22.1.
Variant type: single nucleotide variant.
Coding change: c.219-3C>A on transcript NM_000777.5 (MANE Select); 3 bases into the intron before coding-DNA position 219, C replaced by A.
Molecular consequence: intron variant. On other transcripts: non-coding transcript variant (1).
Genome position (GRCh38, 1-based): chr7:99,672,682, G>T on the plus strand (C>A on the coding strand, the complement: CYP3A5 is on the minus strand). VCF-style: chr7-99672682-G-T. GRCh37 (hg19) VCF-style: chr7-99270305-G-T.
Other names: c.189-3C>A (NM_001291830.2); c.-121-3C>A (NM_001291829.2); c.219-3C>A (NM_001190484.3).
Identifiers: ClinVar variation 4988443 (VCV004988443.1).

ClinVar aggregate classification (germline): Uncertain significance (1 of 4 stars; one submission).

Conditions:
CYP3A5-related disorder. Also called: CYP3A5-related condition.

gnomAD v4.1: 9 of 1,614,046 alleles (0.00056%); highest among the groups gnomAD compares: Admixed American, 0.0033%; no homozygotes.

Submission:

PreventionGenetics, part of Exact Sciences
Classification: Uncertain significance for CYP3A5-related condition. Last evaluated: 2025-06-24. Review status: criteria provided, single submitter. Criteria: ACMG Guidelines, 2015. Collection method: clinical testing. Allele origin: germline.
Comment: The CYP3A5 c.219-3C>A variant is predicted to interfere with splicing. This variant is predicted to interfere with splicing based on a splicing prediction program (SpliceAI, Jaganathan K, et al. 2019. PubMed ID: 30661751). To our knowledge, this variant has not been reported in the literature. This variant is reported in 0.0058% of alleles in individuals of Latino descent in gnomAD. At this time, the clinical significance of this variant is uncertain due to the absence of conclusive functional and genetic evidence.